The following is an entry in ClinVar:

ClinVar aggregate classification (germline): Uncertain significance (1 of 4 stars; one submission).

Submission:

Labcorp Genetics (formerly Invitae), Labcorp
Classification: Uncertain significance. Last evaluated: 2022-07-15. Review status: criteria provided, single submitter. Criteria: Invitae Variant Classification Sherloc (09022015). Collection method: clinical testing. Allele origin: germline.
Comment: This sequence change replaces glutamine, which is neutral and polar, with proline, which is neutral and non-polar, at codon 2255 of the KMT2C protein (p.Gln2255Pro). This variant is not present in population databases (gnomAD no frequency). This variant has not been reported in the literature in individuals affected with KMT2C-related conditions. Algorithms developed to predict the effect of missense changes on protein structure and function are either unavailable or do not agree on the potential impact of this missense change (SIFT: "Deleterious"; PolyPhen-2: "Possibly Damaging"; Align-GVGD: "Class C0"). In summary, the available evidence is currently insufficient to determine the role of this variant in disease. Therefore, it has been classified as a Variant of Uncertain Significance.

NM_170606.3(KMT2C):c.6764A>C (p.Gln2255Pro)

Gene: KMT2C (lysine methyltransferase 2C; minus strand). Cytogenetic location: 7q36.1.
Variant type: single nucleotide variant.
Coding change: c.6764A>C on transcript NM_170606.3 (MANE Select); coding-DNA position 6764, A replaced by C.
Protein change: p.Gln2255Pro; replaces glutamine 2255 with proline.
Molecular consequence: missense variant.
Genome position (GRCh38, 1-based): chr7:152,181,096, T>G on the plus strand (A>C on the coding strand, the complement: KMT2C is on the minus strand). VCF-style: chr7-152181096-T-G. GRCh37 (hg19) VCF-style: chr7-151878181-T-G.
Other names: short protein forms Q2255P.
Identifiers: ClinVar variation 1913383 (VCV001913383.5), dbSNP rs778730150, ClinGen allele CA169209963.